The following is an entry in ClinVar:

ClinVar aggregate classification (germline): Uncertain significance. Review status: criteria provided, multiple submitters, no conflicts (2 of 4 stars). 2 submissions from 2 submitters: Uncertain significance (2). Last evaluated 2025-02-06.

Conditions:
Hereditary cancer-predisposing syndrome. Also called: Hereditary neoplastic syndrome; Neoplastic Syndromes, Hereditary; Tumor predisposition; Hereditary Cancer Syndrome. Identifiers: Orphanet 140162, MedGen C0027672, MeSH D009386, MONDO:0015356.

Submissions (2):

Ambry Genetics
Classification: Uncertain significance for Hereditary cancer-predisposing syndrome. Last evaluated: 2025-02-06. Review status: criteria provided, single submitter. Criteria: Ambry Variant Classification Scheme 2023. Collection method: clinical testing. Allele origin: germline.
Comment: The p.E306Q variant (also known as c.916G>C), located in coding exon 5 of the KIT gene, results from a G to C substitution at nucleotide position 916. The glutamic acid at codon 306 is replaced by glutamine, an amino acid with highly similar properties. This amino acid position is conserved. In addition, this alteration is predicted to be tolerated by in silico analysis. Based on the available evidence, the clinical significance of this variant remains unclear.

Institute for Clinical Genetics, University Hospital TU Dresden, University Hospital TU Dresden
Classification: Uncertain significance. Last evaluated: 2021-11-03. Review status: criteria provided, single submitter. Criteria: ACMG Guidelines, 2015. Collection method: clinical testing. Allele origin: germline.

NM_000222.3(KIT):c.916G>C (p.Glu306Gln)

Gene: KIT (KIT proto-oncogene, receptor tyrosine kinase; plus strand). Cytogenetic location: 4q12.
Variant type: single nucleotide variant.
Coding change: c.916G>C on transcript NM_000222.3 (MANE Select); coding-DNA position 916, G replaced by C.
Protein change: p.Glu306Gln; replaces glutamic acid 306 with glutamine.
Molecular consequence: missense variant.
Genome position (GRCh38, 1-based): chr4:54,703,883, G>C. VCF-style: chr4-54703883-G-C. GRCh37 (hg19) VCF-style: chr4-55570049-G-C.
Other names: c.916G>C, p.Glu306Gln (NM_001093772.2, NM_001385285.1, NM_001385286.1); c.919G>C, p.Glu307Gln (NM_001385284.1, NM_001385288.1, NM_001385290.1 and 1 more transcripts); short protein forms E306Q, E307Q.
Identifiers: ClinVar variation 1319491 (VCV001319491.4), dbSNP rs753258292, ClinGen allele CA356900173.